The following is an entry in ClinVar:

ClinVar aggregate classification (germline): Uncertain significance. Review status: criteria provided, multiple submitters, no conflicts (2 of 4 stars). 2 submissions from 2 submitters: Uncertain significance (2). Last evaluated 2024-11-22.

Conditions:
Inborn genetic diseases. Identifiers: MedGen C0950123, MeSH D030342.

Submissions (2):

GeneDx
Classification: Uncertain significance. Last evaluated: 2024-11-22. Review status: criteria provided, single submitter. Criteria: GeneDx Variant Classification Process June 2021. Collection method: clinical testing. Allele origin: germline. Affected: yes.
Comment: Not observed at significant frequency in large population cohorts (gnomAD); In silico analysis supports that this missense variant does not alter protein structure/function; Has not been previously published as pathogenic or benign to our knowledge

Ambry Genetics
Classification: Uncertain significance for Inborn genetic diseases. Last evaluated: 2023-07-10. Review status: criteria provided, single submitter. Criteria: Ambry Variant Classification Scheme 2023. Collection method: clinical testing. Allele origin: germline.

NM_015001.3(SPEN):c.8936G>C (p.Gly2979Ala)

Gene: SPEN (spen family transcriptional repressor; plus strand). Cytogenetic location: 1p36.13.
Variant type: single nucleotide variant.
Coding change: c.8936G>C on transcript NM_015001.3 (MANE Select); coding-DNA position 8936, G replaced by C.
Protein change: p.Gly2979Ala; replaces glycine 2979 with alanine.
Molecular consequence: missense variant.
Genome position (GRCh38, 1-based): chr1:15,935,176, G>C. VCF-style: chr1-15935176-G-C. GRCh37 (hg19) VCF-style: chr1-16261671-G-C.
Other names: short protein forms G2979A.
Identifiers: ClinVar variation 2603434 (VCV002603434.3), dbSNP rs2523094062, ClinGen allele CA338651795.